The following is an entry in ClinVar:

NM_031889.3(ENAM):c.3210C>T (p.Thr1070=)

Gene: ENAM (enamelin; plus strand). Cytogenetic location: 4q13.3.
Variant type: single nucleotide variant.
Coding change: c.3210C>T on transcript NM_031889.3 (MANE Select); coding-DNA position 3210, C replaced by T.
Protein change: p.Thr1070=; no amino-acid change (threonine 1070 retained).
Molecular consequence: synonymous variant.
Genome position (GRCh38, 1-based): chr4:70,644,636, C>T. VCF-style: chr4-70644636-C-T. GRCh37 (hg19) VCF-style: chr4-71510353-C-T.
Other names: c.2556C>T, p.Thr852= (NM_001368133.1).
Identifiers: ClinVar variation 3050043 (VCV003050043.2), dbSNP rs186447830, ClinGen allele CA2952425.
Genomic context (GRCh38, chr4:70,644,636, plus strand): 5'-TAACATTCTGCATTTGCCATGCTTTGGCTCCAAATTAGCAAAGCATCACTCTTCCACCAC[C>T]GGAACTCCATCTAGCGATGGAAGGCAAAGCCCATTTGATGGGGATTCAATTACGCCTACT-3'
Protein context (NP_114095.2, residues 1060-1080): SKLAKHHSST[Thr1070=]GTPSSDGRQS

ClinVar aggregate classification (germline): Likely benign (0 of 4 stars; one submission).

Conditions:
ENAM-related disorder. Also called: ENAM-related condition.

gnomAD v4.1: 112 of 1,613,750 alleles (0.0069%); highest among the groups gnomAD compares: Non-Finnish European, 0.009%; no homozygotes.

Submission:

PreventionGenetics, part of Exact Sciences
Classification: Likely benign for ENAM-related condition. Last evaluated: 2019-07-15. Review status: no assertion criteria provided. Collection method: clinical testing. Allele origin: germline.
Comment: This variant is classified as likely benign based on ACMG/AMP sequence variant interpretation guidelines (Richards et al. 2015 PMID: 25741868, with internal and published modifications).